The following is an entry in ClinVar:

ClinVar aggregate classification (germline): Benign/Likely benign. Review status: criteria provided, multiple submitters, no conflicts (2 of 4 stars). 6 submissions from 6 submitters: Benign (2); Likely benign (3). 1 of the submissions does not count toward it. Last evaluated 2026-01-28.

Conditions:
Seckel syndrome 5 (SCKL5). Identifiers: Orphanet 808, MedGen C3151187, MONDO:0013443, OMIM 613823.

Allele frequency attached by ClinVar (database versions not stated): gnomAD exomes 0.00042 and 0.00102; ExAC 0.00114; 1000 Genomes Project 0.00339; ESP Exome Variant Server 0.00415; gnomAD 0.00418 and 0.00450; 1000 Genomes Project 30x 0.00437; TOPMed 0.00489.

Submissions (6):

Labcorp Genetics (formerly Invitae), Labcorp
Classification: Benign. Last evaluated: 2026-01-28. Review status: criteria provided, single submitter. Criteria: Invitae Variant Classification Sherloc (09022015). Collection method: clinical testing. Allele origin: germline.

CeGaT Center for Human Genetics Tuebingen
Classification: Likely benign. Last evaluated: 2026-01-01. Review status: criteria provided, single submitter. Criteria: CeGaT Center For Human Genetics Tuebingen Variant Classification Criteria Version 2. Collection method: clinical testing. Allele origin: germline. Affected: yes. Observed: 3 variant alleles.
Comment: CEP152: BP4

GeneDx
Classification: Benign. Last evaluated: 2019-10-14. Review status: criteria provided, single submitter. Criteria: GeneDx Variant Classification Process June 2021. Collection method: clinical testing. Allele origin: germline. Affected: yes.
Comment: This variant is associated with the following publications: (PMID: 21131973, 26206375, 25533962)

Genetic Services Laboratory, University of Chicago
Classification: Likely benign. Last evaluated: 2015-04-14. Review status: criteria provided, single submitter. Criteria: ACMG Guidelines, 2015. Collection method: clinical testing. Allele origin: germline.

Breakthrough Genomics
Classification: Likely benign. Review status: criteria provided, single submitter. Criteria: ACMG Guidelines, 2015. Collection method: not provided. Allele origin: germline. Inheritance: Autosomal recessive inheritance. Affected: yes.

OMIM
Classification: Pathogenic for SECKEL SYNDROME 5. Last evaluated: 2011-01-01. Review status: no assertion criteria provided. Collection method: literature only. Allele origin: germline. Not counted in ClinVar's aggregate classification.

Literature cited by the submitters: PubMed 21131973 (cited by OMIM).

NM_001194998.2(CEP152):c.2000A>G (p.Lys667Arg)

Gene: CEP152 (centrosomal protein 152; minus strand). Cytogenetic location: 15q21.1.
Variant type: single nucleotide variant.
Coding change: c.2000A>G on transcript NM_001194998.2 (MANE Select); coding-DNA position 2000, A replaced by G.
Protein change: p.Lys667Arg; replaces lysine 667 with arginine.
Molecular consequence: missense variant.
Genome position (GRCh38, 1-based): chr15:48,768,237, T>C on the plus strand (A>G on the coding strand, the complement: CEP152 is on the minus strand). VCF-style: chr15-48768237-T-C. GRCh37 (hg19) VCF-style: chr15-49060434-T-C.
Other names: c.2000A>G, p.Lys667Arg (NM_014985.4); short protein forms K667R.
Identifiers: ClinVar variation 31034 (VCV000031034.24), dbSNP rs200879436, ClinGen allele CA129630.
Genomic context (GRCh38, chr15:48,768,237, plus strand): 5'-GGTACCCAGGAGACAGTCGTCAGGCATCTATATAGACCTTACCTATCCACAGCTTCTTGT[T>C]TGTCATGGTCAAAATCTTGTACCATTTGTCTCATTTGATTACATAAGTCTTGATTTGTAT-3'
Protein context (NP_001181927.1, residues 657-677): RQMVQDFDHD[Lys667Arg]QEAVDRCERT